The following is an entry in ClinVar:

ClinVar aggregate classification (germline): Conflicting classifications of pathogenicity. Review status: criteria provided, conflicting classifications (1 of 4 stars). 2 submissions from 2 submitters: Uncertain significance (1); Likely benign (1). Last evaluated 2024-11-26.

Conditions:
Inborn genetic diseases. Identifiers: MedGen C0950123, MeSH D030342.
Primary pulmonary hypertension. Also called: Idiopathic pulmonary hypertension. Identifiers: MedGen C0152171.

Allele frequency attached by ClinVar (database versions not stated): ExAC 0.00001; gnomAD 0.00001; gnomAD exomes below 0.00001; TOPMed below 0.00001.
gnomAD v4.1: 8 of 1,613,996 alleles (0.0005%); highest among the groups gnomAD compares: South Asian, 0.0077%; 1 homozygote.

Submissions (2):

Ambry Genetics
Classification: Uncertain significance for Inborn genetic diseases. Last evaluated: 2024-11-26. Review status: criteria provided, single submitter. Criteria: Ambry Variant Classification Scheme 2023. Collection method: clinical testing. Allele origin: germline.
Comment: The p.V451A variant (also known as c.1352T>C), located in coding exon 10 of the BMPR2 gene, results from a T to C substitution at nucleotide position 1352. The valine at codon 451 is replaced by alanine, an amino acid with similar properties. This amino acid position is conserved. In addition, the in silico prediction for this alteration is inconclusive. Based on the available evidence, the clinical significance of this variant remains unclear.

Labcorp Genetics (formerly Invitae), Labcorp
Classification: Likely benign for Primary pulmonary hypertension. Last evaluated: 2024-11-12. Review status: criteria provided, single submitter. Criteria: Invitae Variant Classification Sherloc (09022015). Collection method: clinical testing. Allele origin: germline.

NM_001204.7(BMPR2):c.1352T>C (p.Val451Ala)

Gene: BMPR2 (bone morphogenetic protein receptor type 2; plus strand). Cytogenetic location: 2q33.2.
Variant type: single nucleotide variant.
Coding change: c.1352T>C on transcript NM_001204.7 (MANE Select); coding-DNA position 1352, T replaced by C.
Protein change: p.Val451Ala; replaces valine 451 with alanine.
Molecular consequence: missense variant.
Genome position (GRCh38, 1-based): chr2:202,542,386, T>C. VCF-style: chr2-202542386-T-C. GRCh37 (hg19) VCF-style: chr2-203407109-T-C.
Other names: short protein forms V451A.
Identifiers: ClinVar variation 2179281 (VCV002179281.5), dbSNP rs764060282, ClinGen allele CA2061352.